The following is an entry in ClinVar:

ClinVar aggregate classification (germline): Pathogenic (1 of 4 stars; one submission).

Allele frequency attached by ClinVar (database versions not stated): gnomAD exomes below 0.00001.

Submission:

Labcorp Genetics (formerly Invitae), Labcorp
Classification: Pathogenic. Last evaluated: 2022-04-09. Review status: criteria provided, single submitter. Criteria: Invitae Variant Classification Sherloc (09022015). Collection method: clinical testing. Allele origin: germline.
Comment: This sequence change creates a premature translational stop signal (p.Ser459Phefs*2) in the SMARCD2 gene. It is expected to result in an absent or disrupted protein product. Loss-of-function variants in SMARCD2 are known to be pathogenic (PMID: 28369036). This variant is present in population databases (no rsID available, gnomAD 0.006%). This variant has not been reported in the literature in individuals affected with SMARCD2-related conditions. For these reasons, this variant has been classified as Pathogenic.

Literature cited by the submitters: PubMed 28369036.

NM_001098426.2(SMARCD2):c.1374_1375del (p.Ser459fs)

Gene: SMARCD2 (SWI/SNF related BAF chromatin remodeling complex subunit D2; minus strand). Cytogenetic location: 17q23.3.
Variant type: Deletion.
Coding change: c.1374_1375del on transcript NM_001098426.2 (MANE Select); coding-DNA positions 1374 to 1375, 2 bases deleted (CA; older notation c.1374_1375delCA).
Protein change: p.Ser459fs; shifts the reading frame from serine 459.
Molecular consequence: frameshift variant.
Genome position (GRCh38, 1-based): chr17:63,833,363-63,833,364, TG deleted on the plus strand (CA on the coding strand, the reverse complement: SMARCD2 is on the minus strand). VCF-style (leftmost placement, unchanged base first): chr17-63833362-CTG-C. GRCh37 (hg19) VCF-style: chr17-61910722-CTG-C.
Other names: c.1149_1150del, p.Ser384fs (NM_001330439.1); c.1230_1231del, p.Ser411fs (NM_001330440.2); short protein forms S411fs, S384fs, S459fs.
Identifiers: ClinVar variation 2123866 (VCV002123866.4), dbSNP rs1166557936, ClinGen allele CA627149484.